The following is an entry in ClinVar:

ClinVar aggregate classification (germline): Uncertain significance. Review status: criteria provided, multiple submitters, no conflicts (2 of 4 stars). 3 submissions from 3 submitters: Uncertain significance (3). Last evaluated 2025-10-08.

Conditions:
PRPF8-related disorder. Also called: PRPF8-related condition.

Allele frequency attached by ClinVar (database versions not stated): gnomAD exomes below 0.00001 and 0.00001; TOPMed below 0.00001; gnomAD 0.00001.
gnomAD v4.1: 14 of 1,612,464 alleles (0.00087%); highest among the groups gnomAD compares: East Asian, 0.0022%; no homozygotes.

Submissions (3):

Clinical Genomics Laboratory, Washington University in St. Louis
Classification: Uncertain significance for PRPF8-related disorder. Last evaluated: 2025-10-08. Review status: criteria provided, single submitter. Criteria: ACMG Guidelines, 2015. Collection method: clinical testing. Allele origin: germline.
Comment: The PRPF8 c.1295G>A (p.Arg432Gln) variant, to our knowledge, has not been reported in the medical literature. This variant is only observed on 2/228,346 alleles in the general population (gnomAD v2.1.1), indicating it is not a common variant. Computational predictors are uncertain as to the impact of this variant on PRPF8 function. This variant has been reported in the ClinVar database as a germline variant of uncertain significance by a single submitter. Due to limited information, and based on ACMG/AMP guidelines for variant interpretation (Richards S et al., PMID: 25741868), the clinical significance of this variant is uncertain at this time.

Labcorp Genetics (formerly Invitae), Labcorp
Classification: Uncertain significance. Last evaluated: 2023-12-17. Review status: criteria provided, single submitter. Criteria: Invitae Variant Classification Sherloc (09022015). Collection method: clinical testing. Allele origin: germline.
Comment: This sequence change replaces arginine, which is basic and polar, with glutamine, which is neutral and polar, at codon 432 of the PRPF8 protein (p.Arg432Gln). This variant is present in population databases (no rsID available, gnomAD 0.006%). This variant has not been reported in the literature in individuals affected with PRPF8-related conditions. ClinVar contains an entry for this variant (Variation ID: 1478359). Advanced modeling of protein sequence and biophysical properties (such as structural, functional, and spatial information, amino acid conservation, physicochemical variation, residue mobility, and thermodynamic stability) performed at Invitae indicates that this missense variant is not expected to disrupt PRPF8 protein function with a negative predictive value of 80%. In summary, the available evidence is currently insufficient to determine the role of this variant in disease. Therefore, it has been classified as a Variant of Uncertain Significance.

Blueprint Genetics
Classification: Uncertain significance. Last evaluated: 2022-04-26. Review status: criteria provided, single submitter. Criteria: ACMG Guidelines, 2015. Collection method: clinical testing. Allele origin: germline.

Literature cited by the submitters: PubMed 35543142 (cited by Clinical Genomics Laboratory, Washington University in St. Louis).

NM_006445.4(PRPF8):c.1295G>A (p.Arg432Gln)

Gene: PRPF8 (pre-mRNA processing factor 8; minus strand). Cytogenetic location: 17p13.3.
Variant type: single nucleotide variant.
Coding change: c.1295G>A on transcript NM_006445.4 (MANE Select); coding-DNA position 1295, G replaced by A.
Protein change: p.Arg432Gln; replaces arginine 432 with glutamine.
Molecular consequence: missense variant.
Genome position (GRCh38, 1-based): chr17:1,679,405, C>T on the plus strand (G>A on the coding strand, the complement: PRPF8 is on the minus strand). VCF-style: chr17-1679405-C-T. GRCh37 (hg19) VCF-style: chr17-1582699-C-T.
Other names: short protein forms R432Q.
Identifiers: ClinVar variation 1478359 (VCV001478359.10), dbSNP rs1487240808, ClinGen allele CA397562693.